The following is an entry in ClinVar:

NM_002439.5(MSH3):c.1975G>A (p.Val659Ile)

Gene: MSH3 (mutS homolog 3; plus strand). Cytogenetic location: 5q14.1.
Variant type: single nucleotide variant.
Coding change: c.1975G>A on transcript NM_002439.5 (MANE Select); coding-DNA position 1975, G replaced by A.
Protein change: p.Val659Ile; replaces valine 659 with isoleucine.
Molecular consequence: missense variant.
Genome position (GRCh38, 1-based): chr5:80,768,011, G>A. VCF-style: chr5-80768011-G-A. GRCh37 (hg19) VCF-style: chr5-80063830-G-A.
Other names: short protein forms V659I.
Identifiers: ClinVar variation 1783700 (VCV001783700.2), dbSNP rs2546773617, ClinGen allele CA360277602.
Genomic context (GRCh38, chr5:80,768,011, plus strand): 5'-TTCTTGATTGTCAAAACTTTATATCACCTAAAGTCAGAATTTCAAGCAATAATACCTGCT[G>A]TTAATTCCCACATTCAGTCAGACTTGCTCCGGACCGTTATTTTAGAAATTCCTGAACTCC-3'
Protein context (NP_002430.3, residues 649-669): KSEFQAIIPA[Val659Ile]NSHIQSDLLR

ClinVar aggregate classification (germline): Uncertain significance (1 of 4 stars; one submission).

Conditions:
Hereditary cancer-predisposing syndrome. Also called: Neoplastic Syndromes, Hereditary; Tumor predisposition; Hereditary Cancer Syndrome; Hereditary neoplastic syndrome. Identifiers: Orphanet 140162, MedGen C0027672, MeSH D009386, MONDO:0015356.

gnomAD v4.1: 2 of 1,613,572 alleles (0.00012%); highest among the groups gnomAD compares: Non-Finnish European, 0.00017%; no homozygotes.

Submission:

Ambry Genetics
Classification: Uncertain significance for Hereditary cancer-predisposing syndrome. Last evaluated: 2021-11-02. Review status: criteria provided, single submitter. Criteria: Ambry Variant Classification Scheme 2023. Collection method: clinical testing. Allele origin: germline.
Comment: The p.V659I variant (also known as c.1975G>A), located in coding exon 14 of the MSH3 gene, results from a G to A substitution at nucleotide position 1975. The valine at codon 659 is replaced by isoleucine, an amino acid with highly similar properties. This amino acid position is conserved. In addition, this alteration is predicted to be tolerated by in silico analysis. Since supporting evidence is limited at this time, the clinical significance of this alteration remains unclear.